The following is an entry in ClinVar:

ClinVar aggregate classification (germline): Uncertain significance. Review status: criteria provided, multiple submitters, no conflicts (2 of 4 stars). 2 submissions from 2 submitters: Uncertain significance (2). Last evaluated 2025-03-31.

Conditions:
Baller-Gerold syndrome (BGS). Also called: CRANIOSYNOSTOSIS WITH RADIAL DEFECTS. Identifiers: Orphanet 1225, MedGen C0265308, MONDO:0009039, OMIM 218600.
Inborn genetic diseases. Identifiers: MedGen C0950123, MeSH D030342.

Allele frequency attached by ClinVar (database versions not stated): gnomAD exomes below 0.00001.
gnomAD v4.1: 2 of 1,613,250 alleles (0.00012%); highest among the groups gnomAD compares: Admixed American, 0.0017%; no homozygotes.

Submissions (2):

Ambry Genetics
Classification: Uncertain significance for Inborn genetic diseases. Last evaluated: 2025-03-31. Review status: criteria provided, single submitter. Criteria: Ambry Variant Classification Scheme 2023. Collection method: clinical testing. Allele origin: germline.
Comment: The p.S326N variant (also known as c.977G>A), located in coding exon 5 of the RECQL4 gene, results from a G to A substitution at nucleotide position 977. The serine at codon 326 is replaced by asparagine, an amino acid with highly similar properties. This amino acid position is conserved. In addition, this alteration is predicted to be tolerated by in silico analysis. Based on the available evidence, the clinical significance of this variant remains unclear.

Labcorp Genetics (formerly Invitae), Labcorp
Classification: Uncertain significance for Baller-Gerold syndrome. Last evaluated: 2024-03-07. Review status: criteria provided, single submitter. Criteria: Invitae Variant Classification Sherloc (09022015). Collection method: clinical testing. Allele origin: germline.
Comment: This sequence change replaces serine, which is neutral and polar, with asparagine, which is neutral and polar, at codon 326 of the RECQL4 protein (p.Ser326Asn). This variant is not present in population databases (gnomAD no frequency). This variant has not been reported in the literature in individuals affected with RECQL4-related conditions. ClinVar contains an entry for this variant (Variation ID: 1982096). Advanced modeling of protein sequence and biophysical properties (such as structural, functional, and spatial information, amino acid conservation, physicochemical variation, residue mobility, and thermodynamic stability) performed at Invitae indicates that this missense variant is not expected to disrupt RECQL4 protein function with a negative predictive value of 80%. In summary, the available evidence is currently insufficient to determine the role of this variant in disease. Therefore, it has been classified as a Variant of Uncertain Significance.

NM_004260.4(RECQL4):c.977G>A (p.Ser326Asn)

Gene: RECQL4 (RecQ like helicase 4; minus strand). Cytogenetic location: 8q24.3.
Variant type: single nucleotide variant.
Coding change: c.977G>A on transcript NM_004260.4 (MANE Select); coding-DNA position 977, G replaced by A.
Protein change: p.Ser326Asn; replaces serine 326 with asparagine.
Molecular consequence: missense variant.
Genome position (GRCh38, 1-based): chr8:144,516,142, C>T on the plus strand (G>A on the coding strand, the complement: RECQL4 is on the minus strand). VCF-style: chr8-144516142-C-T. GRCh37 (hg19) VCF-style: chr8-145741526-C-T.
Other names: c.977G>A (NM_004260.3); c.977G>A, p.Ser326Asn (NM_001413018.1, NM_001413019.1, NM_001413033.1 and 2 more transcripts); c.-95G>A (NM_001413021.1, NM_001413022.1, NM_001413023.1 and 7 more transcripts); c.848G>A, p.Ser283Asn (NM_001413025.1); c.-157G>A (NM_001413027.1, NM_001413030.1, NM_001413031.1 and 2 more transcripts); c.626G>A, p.Ser209Asn (NM_001413029.1); c.-364G>A (NM_001413043.1); short protein forms S283N, S209N, S326N.
Identifiers: ClinVar variation 1982096 (VCV001982096.5), dbSNP rs1586822184, ClinGen allele CA372688462.